The following is an entry in ClinVar:

NM_014780.5(CUL7):c.3463-10T>C

Gene: CUL7 (cullin 7; minus strand). Cytogenetic location: 6p21.1.
Variant type: single nucleotide variant.
Coding change: c.3463-10T>C on transcript NM_014780.5 (MANE Select); 10 bases into the intron before coding-DNA position 3463, T replaced by C.
Molecular consequence: intron variant.
Genome position (GRCh38, 1-based): chr6:43,042,994, A>G on the plus strand (T>C on the coding strand, the complement: CUL7 is on the minus strand). VCF-style: chr6-43042994-A-G. GRCh37 (hg19) VCF-style: chr6-43010732-A-G.
Other names: c.3559-10T>C (NM_001168370.2, NM_001374872.1); c.3460-10T>C (NM_001374874.1); c.3463-10T>C (NM_001374873.1).
Identifiers: ClinVar variation 356828 (VCV000356828.15), dbSNP rs527664718, ClinGen allele CA3813467.
Genomic context (GRCh38, chr6:43,042,994, plus strand): 5'-GCGTGGCACAAAGTCATCATCCCGCCAGGATGAGGTCAGAAAATTGTTCACCTGGAAGGA[A>G]GGGGCAGGAGCATGAAGACACAACCCAACATGCCACCATTATGGTGTCCCCTCTCTCCCG-3'

ClinVar aggregate classification (germline): Conflicting classifications of pathogenicity. Review status: criteria provided, conflicting classifications (1 of 4 stars). 4 submissions from 4 submitters: Uncertain significance (1); Likely benign (3). Last evaluated 2026-04-27.

Conditions:
CUL7-related disorder. Also called: CUL7-related condition.
3M syndrome 1. Also called: 3-M Syndrome, CUL7-Related. Identifiers: Orphanet 2616, MedGen C2678312, MONDO:0010117, OMIM 273750.

Allele frequency attached by ClinVar (database versions not stated): gnomAD exomes 0.00003 and 0.00012; gnomAD 0.00004 and 0.00008; ExAC 0.00006; TOPMed 0.00006; 1000 Genomes Project 30x 0.00031; 1000 Genomes Project 0.00040.
gnomAD v4.1: 51 of 1,614,176 alleles (0.0032%); highest among the groups gnomAD compares: East Asian, 0.094%; 1 homozygote.

Submissions (4):

Women's Health and Genetics/Laboratory Corporation of America, LabCorp
Classification: Likely benign. Last evaluated: 2026-04-27. Review status: criteria provided, single submitter. Criteria: LabCorp Variant Classification Summary - May 2015. Collection method: clinical testing. Allele origin: germline.

PreventionGenetics, part of Exact Sciences
Classification: Likely benign for CUL7-related condition. Last evaluated: 2026-02-26. Review status: criteria provided, single submitter. Criteria: ACMG Guidelines, 2015. Collection method: clinical testing. Allele origin: germline.
Comment: This variant is classified as likely benign based on ACMG/AMP sequence variant interpretation guidelines (Richards et al. 2015 PMID: 25741868, with internal and published modifications).

Labcorp Genetics (formerly Invitae), Labcorp
Classification: Likely benign. Last evaluated: 2026-01-28. Review status: criteria provided, single submitter. Criteria: Invitae Variant Classification Sherloc (09022015). Collection method: clinical testing. Allele origin: germline.

Illumina Laboratory Services, Illumina
Classification: Uncertain significance for 3M syndrome 1. Last evaluated: 2018-01-13. Review status: criteria provided, single submitter. Criteria: ICSL Variant Classification Criteria 13 December 2019. Collection method: clinical testing. Allele origin: germline.